The following is an entry in ClinVar:

ClinVar aggregate classification (germline): Uncertain significance (1 of 4 stars; one submission).

Submission:

Women's Health and Genetics/Laboratory Corporation of America, LabCorp
Classification: Uncertain significance. Last evaluated: 2022-03-15. Review status: criteria provided, single submitter. Criteria: LabCorp Variant Classification Summary - May 2015. Collection method: clinical testing. Allele origin: germline.
Comment: Variant summary: TThe variant identified by MLPA or other technology involves the duplication of exons 1-14 in the GALNS gene (i.e. whole gene duplication). A presumed nomenclature of c.(?_-90)_(*706_?)dup has been designated for the purposes of this classification. It has been assumed that this is a tandem duplication in direct orientation (Richardson_GIM_2018, Newman_AJHG_2015). Although exact breakpoints of this duplication are not known, it is expected to result in a duplication of the full coding sequence of the GALNS gene. The variant allele was found at a frequency of 4.6e-05 in 21692 control chromosomes (gnomAD database, Structural Variants dataset). The available data on variant occurrences in the general population are insufficient to allow any conclusion about variant significance. To our knowledge, no occurrence of c.(?_-90)_(*706_?)dup in individuals affected with Mucopolysaccharidosis Type IVA (Morquio Syndrome A) and no experimental evidence demonstrating its impact on protein function have been reported. No clinical diagnostic laboratories have submitted clinical-significance assessments for this variant to ClinVar after 2014. Based on the evidence outlined above, the variant was classified as uncertain significance.

NC_000016.9:g.(?_88880141)_(88923375_?)dup

Gene: GALNS (galactosamine (N-acetyl)-6-sulfatase; minus strand). Cytogenetic location: 16q24.3.
Variant type: Duplication.
Identifiers: ClinVar variation 1677111 (VCV001677111.1).